The following is an entry in ClinVar:

NM_005547.4(IVL):c.1677G>A (p.Leu559=)

Gene: IVL (involucrin; plus strand). Cytogenetic location: 1q21.3.
Variant type: single nucleotide variant.
Coding change: c.1677G>A on transcript NM_005547.4 (MANE Select); coding-DNA position 1677, G replaced by A.
Protein change: p.Leu559=; no amino-acid change (leucine 559 retained).
Molecular consequence: synonymous variant.
Genome position (GRCh38, 1-based): chr1:152,911,474, G>A. VCF-style: chr1-152911474-G-A. GRCh37 (hg19) VCF-style: chr1-152883950-G-A.
Identifiers: ClinVar variation 2639344 (VCV002639344.24), dbSNP rs372109143, ClinGen allele CA1112859.

ClinVar aggregate classification (germline): Likely benign (1 of 4 stars; one submission).

Allele frequency attached by ClinVar (database versions not stated): ExAC 0.00012; 1000 Genomes Project 30x 0.00016; 1000 Genomes Project 0.00020; ESP Exome Variant Server 0.00023; TOPMed 0.00023; gnomAD 0.00025.

Submission:

CeGaT Center for Human Genetics Tuebingen
Classification: Likely benign. Last evaluated: 2022-05-01. Review status: criteria provided, single submitter. Criteria: CeGaT Center For Human Genetics Tuebingen Variant Classification Criteria Version 2. Collection method: clinical testing. Allele origin: germline. Affected: yes. Observed: 1 variant allele.
Comment: IVL: BP4, BP7